The following is an entry in ClinVar:

ClinVar aggregate classification (germline): Uncertain significance (1 of 4 stars; one submission).

gnomAD v4.1: 1 of 1,591,730 alleles (0.000063%); highest among the groups gnomAD compares: Admixed American, 0.0017%; no homozygotes.

Submission:

Labcorp Genetics (formerly Invitae), Labcorp
Classification: Uncertain significance. Last evaluated: 2023-11-27. Review status: criteria provided, single submitter. Criteria: Invitae Variant Classification Sherloc (09022015). Collection method: clinical testing. Allele origin: germline.
Comment: This sequence change replaces valine, which is neutral and non-polar, with isoleucine, which is neutral and non-polar, at codon 2164 of the OTOGL protein (p.Val2164Ile). This variant is not present in population databases (gnomAD no frequency). This variant has not been reported in the literature in individuals affected with OTOGL-related conditions. ClinVar contains an entry for this variant (Variation ID: 2096595). Algorithms developed to predict the effect of missense changes on protein structure and function output the following: SIFT: "Not Available"; PolyPhen-2: "Benign"; Align-GVGD: "Not Available". The isoleucine amino acid residue is found in multiple mammalian species, which suggests that this missense change does not adversely affect protein function. In summary, the available evidence is currently insufficient to determine the role of this variant in disease. Therefore, it has been classified as a Variant of Uncertain Significance.

NM_001378609.3(OTOGL):c.6517G>A (p.Val2173Ile)

Gene: OTOGL (otogelin like; plus strand). Cytogenetic location: 12q21.31.
Variant type: single nucleotide variant.
Coding change: c.6517G>A on transcript NM_001378609.3 (MANE Select); coding-DNA position 6517, G replaced by A.
Protein change: p.Val2173Ile; replaces valine 2173 with isoleucine.
Molecular consequence: missense variant.
Genome position (GRCh38, 1-based): chr12:80,368,211, G>A. VCF-style: chr12-80368211-G-A. GRCh37 (hg19) VCF-style: chr12-80761991-G-A.
Other names: c.6382G>A, p.Val2128Ile (NM_001368062.3); c.6517G>A, p.Val2173Ile (NM_001378610.3, NM_173591.7); short protein forms V2128I, V2173I.
Identifiers: ClinVar variation 2096595 (VCV002096595.4), dbSNP rs775970766, ClinGen allele CA385858767.